The following is an entry in ClinVar:

NM_005560.6(LAMA5):c.10521G>A (p.Met3507Ile)

Gene: LAMA5 (laminin subunit alpha 5; minus strand). Cytogenetic location: 20q13.33.
Variant type: single nucleotide variant.
Coding change: c.10521G>A on transcript NM_005560.6 (MANE Select); coding-DNA position 10521, G replaced by A.
Protein change: p.Met3507Ile; replaces methionine 3507 with isoleucine.
Molecular consequence: missense variant.
Genome position (GRCh38, 1-based): chr20:62,310,498, C>T on the plus strand (G>A on the coding strand, the complement: LAMA5 is on the minus strand). VCF-style: chr20-62310498-C-T. GRCh37 (hg19) VCF-style: chr20-60885554-C-T.
Other names: short protein forms M3507I.
Identifiers: ClinVar variation 2631395 (VCV002631395.1), dbSNP rs779985791, ClinGen allele CA409536224.
Genomic context (GRCh38, chr20:62,310,498, plus strand): 5'-GCTGCCTGGGAAGAACAGGCCCGCCTCCAGGGGGCCCAAGATGCAGGGTGTGACCCCTGC[C>T]ATCCGTGTGGGGGCCCCCAGGGGCCTCCCGTGCAGCCTCAGTCTCTTCACACAGCCGCTG-3'
Protein context (NP_005551.3, residues 3497-3517): HGRPLGAPTR[Met3507Ile]AGVTPCILGP

ClinVar aggregate classification (germline): Uncertain significance (1 of 4 stars; one submission).

Conditions:
LAMA5-related disorder. Also called: LAMA5-related condition; LAMA5-Related Disorders.

Submission:

PreventionGenetics, part of Exact Sciences
Classification: Uncertain significance for LAMA5-related condition. Last evaluated: 2023-07-27. Review status: criteria provided, single submitter. Criteria: ACMG Guidelines, 2015. Collection method: clinical testing. Allele origin: germline.
Comment: The LAMA5 c.10521G>A variant is predicted to result in the amino acid substitution p.Met3507Ile. To our knowledge, this variant has not been reported in the literature or in a large population database, indicating this variant is rare. At this time, the clinical significance of this variant is uncertain due to the absence of conclusive functional and genetic evidence.